The following is an entry in ClinVar:

NC_012920.1(MT-CO2):m.7854T>C

Gene: MT-CO2 (mitochondrially encoded cytochrome c oxidase II; plus strand).
Variant type: single nucleotide variant.
Genome position: chrM-7854-T-C.
Identifiers: ClinVar variation 692789 (VCV000692789.1), dbSNP rs1603221180, ClinGen allele CA414794009.

ClinVar aggregate classification (germline): Benign (1 of 4 stars; one submission).

Conditions:
Leigh syndrome (NULS). Also called: Leigh's necrotizing encephalopathy; Leigh's disease; Leigh Syndrome (mtDNA deletion); Leigh Disease; Subacute necrotizing encephalopathy; Necrotizing encephalopathy infantile subacute of Leigh. Identifiers: Orphanet 506, MedGen C2931891, MONDO:0009723, OMIM 256000.

Submission:

Wong Mito Lab, Molecular and Human Genetics, Baylor College of Medicine
Classification: Benign for Leigh syndrome. Last evaluated: 2019-10-17. Review status: criteria provided, single submitter. Criteria: Modified ACMG Guidelines (Unpublished). Collection method: clinical testing. Allele origin: germline.
Comment: The NC_012920.1:m.7854T>C (YP_003024029.1:p.Val90Ala) variant in MTCO2 gene is interpretated to be a Benign variant based on the modified ACMG guidelines (unpublished). This variant meets the following evidence codes: BS1, BS1, BP4